The following is an entry in ClinVar:

NM_000257.4(MYH7):c.3532C>G (p.Leu1178Val)

Gene: MYH7 (myosin heavy chain 7; minus strand). Cytogenetic location: 14q11.2.
Variant type: single nucleotide variant.
Coding change: c.3532C>G on transcript NM_000257.4 (MANE Select); coding-DNA position 3532, C replaced by G.
Protein change: p.Leu1178Val; replaces leucine 1178 with valine.
Molecular consequence: missense variant.
Genome position (GRCh38, 1-based): chr14:23,420,039, G>C on the plus strand (C>G on the coding strand, the complement: MYH7 is on the minus strand). VCF-style: chr14-23420039-G-C. GRCh37 (hg19) VCF-style: chr14-23889248-G-C.
Other names: c.3532C>G, p.Leu1178Val (NM_001407004.1); short protein forms L1178V.
Identifiers: ClinVar variation 3636018 (VCV003636018.2).

ClinVar aggregate classification (germline): Uncertain significance (1 of 4 stars; one submission).

Conditions:
Hypertrophic cardiomyopathy. Also called: HYPERTROPHIC MYOCARDIOPATHY. Identifiers: Orphanet 217569, MedGen C0007194, MeSH D002312, MONDO:0005045, HP:0001639.

gnomAD v4.1: 1 of 1,578,140 alleles (0.000063%); highest among the groups gnomAD compares: Non-Finnish European, 0.000086%; no homozygotes.

Submission:

Labcorp Genetics (formerly Invitae), Labcorp
Classification: Uncertain significance for Hypertrophic cardiomyopathy. Last evaluated: 2024-06-12. Review status: criteria provided, single submitter. Criteria: Invitae Variant Classification Sherloc (09022015). Collection method: clinical testing. Allele origin: germline.
Comment: This sequence change replaces leucine, which is neutral and non-polar, with valine, which is neutral and non-polar, at codon 1178 of the MYH7 protein (p.Leu1178Val). This variant is present in population databases (rs764682780, gnomAD 0.001%). This variant has not been reported in the literature in individuals affected with MYH7-related conditions. Advanced modeling of protein sequence and biophysical properties (such as structural, functional, and spatial information, amino acid conservation, physicochemical variation, residue mobility, and thermodynamic stability) performed at Invitae indicates that this missense variant is expected to disrupt MYH7 protein function with a positive predictive value of 95%. In summary, the available evidence is currently insufficient to determine the role of this variant in disease. Therefore, it has been classified as a Variant of Uncertain Significance.